The following is an entry in ClinVar:

ClinVar aggregate classification (germline): Likely benign (1 of 4 stars; one submission).

Allele frequency attached by ClinVar (database versions not stated): gnomAD exomes 0.00001; TOPMed 0.00001; ExAC 0.00002; gnomAD 0.00002; ESP Exome Variant Server 0.00008.
gnomAD v4.1: 20 of 1,612,370 alleles (0.0012%); highest among the groups gnomAD compares: Admixed American, 0.0033%; no homozygotes.

Submission:

CeGaT Center for Human Genetics Tuebingen
Classification: Likely benign. Last evaluated: 2024-04-01. Review status: criteria provided, single submitter. Criteria: CeGaT Center For Human Genetics Tuebingen Variant Classification Criteria Version 2. Collection method: clinical testing. Allele origin: germline. Affected: yes. Observed: 1 variant allele.
Comment: BRF1: BP4, BP7

NM_001519.4(BRF1):c.1434C>T (p.Asn478=)

Gene: BRF1 (BRF1 general transcription factor IIIB subunit; minus strand). Cytogenetic location: 14q32.33.
Variant type: single nucleotide variant.
Coding change: c.1434C>T on transcript NM_001519.4 (MANE Select); coding-DNA position 1434, C replaced by T.
Protein change: p.Asn478=; no amino-acid change (asparagine 478 retained).
Molecular consequence: synonymous variant.
Genome position (GRCh38, 1-based): chr14:105,219,176, G>A on the plus strand (C>T on the coding strand, the complement: BRF1 is on the minus strand). VCF-style: chr14-105219176-G-A. GRCh37 (hg19) VCF-style: chr14-105685513-G-A.
Other names: c.1155C>T, p.Asn385= (NM_001242786.2); c.1089C>T, p.Asn363= (NM_001242787.2); c.1353C>T, p.Asn451= (NM_001242788.2); c.720C>T, p.Asn240= (NM_001242789.2); c.822C>T, p.Asn274= (NM_145685.3).
Identifiers: ClinVar variation 3067522 (VCV003067522.21), dbSNP rs150240388, ClinGen allele CA7387142.